The following is an entry in ClinVar:

ClinVar aggregate classification (germline): Uncertain significance (1 of 4 stars; one submission).

Conditions:
Hereditary cancer-predisposing syndrome. Also called: Neoplastic Syndromes, Hereditary; Tumor predisposition; Hereditary neoplastic syndrome; Hereditary Cancer Syndrome. Identifiers: Orphanet 140162, MedGen C0027672, MeSH D009386, MONDO:0015356.
Cardiovascular phenotype. Identifiers: MedGen CN230736.

Allele frequency attached by ClinVar (database versions not stated): gnomAD exomes below 0.00001.
gnomAD v4.1: 1 of 1,613,114 alleles (0.000062%); highest among the groups gnomAD compares: African/African-American, 0.0013%; no homozygotes.

Submission:

Ambry Genetics
Classification: Uncertain significance for Cardiovascular phenotype; Hereditary cancer-predisposing syndrome. Last evaluated: 2024-07-23. Review status: criteria provided, single submitter. Criteria: Ambry Variant Classification Scheme 2023. Collection method: clinical testing. Allele origin: germline.
Comment: The p.I1698T variant (also known as c.5093T>C), located in coding exon 36 of the NF1 gene, results from a T to C substitution at nucleotide position 5093. The isoleucine at codon 1698 is replaced by threonine, an amino acid with similar properties. This amino acid position is well conserved in available vertebrate species. In addition, the in silico prediction for this alteration is inconclusive. Based on the available evidence, the clinical significance of this variant remains unclear.

NM_001042492.3(NF1):c.5156T>C (p.Ile1719Thr)

Gene: NF1 (neurofibromin 1; plus strand). Cytogenetic location: 17q11.2.
Variant type: single nucleotide variant.
Coding change: c.5156T>C on transcript NM_001042492.3 (MANE Select); coding-DNA position 5156, T replaced by C.
Protein change: p.Ile1719Thr; replaces isoleucine 1719 with threonine.
Molecular consequence: missense variant.
Genome position (GRCh38, 1-based): chr17:31,326,140, T>C. VCF-style: chr17-31326140-T-C. GRCh37 (hg19) VCF-style: chr17-29653158-T-C.
Other names: c.5093T>C, p.Ile1698Thr (NM_000267.4); short protein forms I1719T, I1698T.
Identifiers: ClinVar variation 825433 (VCV000825433.5), dbSNP rs1597830137, ClinGen allele CA399007830.